The following is an entry in ClinVar:

NM_001142864.4(PIEZO1):c.5488G>T (p.Gly1830Trp)

Gene: PIEZO1 (piezo type mechanosensitive ion channel component 1 (Er blood group); minus strand). Cytogenetic location: 16q24.3.
Variant type: single nucleotide variant.
Coding change: c.5488G>T on transcript NM_001142864.4 (MANE Select); coding-DNA position 5488, G replaced by T.
Protein change: p.Gly1830Trp; replaces glycine 1830 with tryptophan.
Molecular consequence: missense variant.
Genome position (GRCh38, 1-based): chr16:88,721,346, C>A on the plus strand (G>T on the coding strand, the complement: PIEZO1 is on the minus strand). VCF-style: chr16-88721346-C-A. GRCh37 (hg19) VCF-style: chr16-88787754-C-A.
Other names: c.4030G>T, p.Gly1344Trp (NM_014745.1); short protein forms G1344W, G1830W.
Identifiers: ClinVar variation 3059049 (VCV003059049.2), dbSNP rs1912435862, ClinGen allele CA397090843.

ClinVar aggregate classification (germline): Uncertain significance (0 of 4 stars; one submission).

Conditions:
PIEZO1-related disorder. Also called: PIEZO1-Related Disorders; PIEZO1-related condition.

Allele frequency attached by ClinVar (database versions not stated): gnomAD exomes below 0.00001.
gnomAD v4.1: 2 of 1,548,430 alleles (0.00013%); highest among the groups gnomAD compares: Non-Finnish European, 0.00017%; no homozygotes.

Submission:

PreventionGenetics, part of Exact Sciences
Classification: Uncertain significance for PIEZO1-related condition. Last evaluated: 2024-01-29. Review status: no assertion criteria provided. Collection method: clinical testing. Allele origin: germline.
Comment: The PIEZO1 c.5488G>T variant is predicted to result in the amino acid substitution p.Gly1830Trp. To our knowledge, this variant has not been reported in the literature or in a large population database, indicating this variant is rare. At this time, the clinical significance of this variant is uncertain due to the absence of conclusive functional and genetic evidence.